The following is an entry in ClinVar:

NM_000400.4(ERCC2):c.1105C>T (p.Arg369Cys)

Gene: ERCC2 (ERCC excision repair 2, TFIIH core complex helicase subunit; minus strand). Cytogenetic location: 19q13.32.
Variant type: single nucleotide variant.
Coding change: c.1105C>T on transcript NM_000400.4 (MANE Select); coding-DNA position 1105, C replaced by T.
Protein change: p.Arg369Cys; replaces arginine 369 with cysteine.
Molecular consequence: missense variant.
Genome position (GRCh38, 1-based): chr19:45,363,756, G>A on the plus strand (C>T on the coding strand, the complement: ERCC2 is on the minus strand). VCF-style: chr19-45363756-G-A. GRCh37 (hg19) VCF-style: chr19-45867014-G-A.
Other names: c.1033C>T, p.Arg345Cys (NM_001130867.2); short protein forms R345C, R369C.
Identifiers: ClinVar variation 1319442 (VCV001319442.9), dbSNP rs974354644, ClinGen allele CA308966271.
Genomic context (GRCh38, chr19:45,363,756, plus strand): 5'-ACCGGGACCTGCCGGGCCCCCACCCCGCGCGCTGTCTGGGGCCGCACCTGAGGGGCTTGC[G>A]CTGGATGCACACGCGCTGGGCCAGGCCGCTCAGGAAGGCGGGCGGGCTCTCCTGCACCAC-3'
Protein context (NP_000391.1, residues 359-379): SGLAQRVCIQ[Arg369Cys]KPLRFCAERL

ClinVar aggregate classification (germline): Uncertain significance. Review status: criteria provided, multiple submitters, no conflicts (2 of 4 stars). 4 submissions from 4 submitters: Uncertain significance (4). Last evaluated 2022-08-26.

Conditions:
Inborn genetic diseases. Identifiers: MedGen C0950123, MeSH D030342.
Xeroderma pigmentosum (XP). Identifiers: Orphanet 910, MedGen C0043346, MONDO:0019600.

Allele frequency attached by ClinVar (database versions not stated): gnomAD 0.00001 and 0.00002; TOPMed 0.00003; gnomAD exomes 0.00004.
gnomAD v4.1: 38 of 1,534,814 alleles (0.0025%); highest among the groups gnomAD compares: Middle Eastern, 0.042%; no homozygotes.

Submissions (4):

Ambry Genetics
Classification: Uncertain significance for Inborn genetic diseases. Last evaluated: 2022-08-26. Review status: criteria provided, single submitter. Criteria: Ambry Variant Classification Scheme 2023. Collection method: clinical testing. Allele origin: germline.

Labcorp Genetics (formerly Invitae), Labcorp
Classification: Uncertain significance. Last evaluated: 2021-12-24. Review status: criteria provided, single submitter. Criteria: Invitae Variant Classification Sherloc (09022015). Collection method: clinical testing. Allele origin: germline.
Comment: This sequence change replaces arginine, which is basic and polar, with cysteine, which is neutral and slightly polar, at codon 369 of the ERCC2 protein (p.Arg369Cys). The frequency data for this variant in the population databases is considered unreliable, as metrics indicate poor data quality at this position in the gnomAD database. This variant has not been reported in the literature in individuals affected with ERCC2-related conditions. ClinVar contains an entry for this variant (Variation ID: 1319442). Algorithms developed to predict the effect of missense changes on protein structure and function are either unavailable or do not agree on the potential impact of this missense change (SIFT: "Deleterious"; PolyPhen-2: "Probably Damaging"; Align-GVGD: "Class C0"). In summary, the available evidence is currently insufficient to determine the role of this variant in disease. Therefore, it has been classified as a Variant of Uncertain Significance.

Institute for Clinical Genetics, University Hospital TU Dresden, University Hospital TU Dresden
Classification: Uncertain significance. Last evaluated: 2021-11-03. Review status: criteria provided, single submitter. Criteria: ACMG Guidelines, 2015. Collection method: clinical testing. Allele origin: germline.

Sema4
Classification: Uncertain significance for Xeroderma pigmentosum. Last evaluated: 2021-06-13. Review status: criteria provided, single submitter. Criteria: Sema4 Curation Guidelines. Collection method: curation. Allele origin: germline.
Comment: The ERCC2 c.1105C>T (p.R369C) variant has not been reported in the literature to our knowledge. It was observed in 4/50234 chromosomes of the Non-Finnish European subpopulation in the large and broad cohorts of the Genome Aggregation Database (PMID: 32461654). The variant has not been reported in ClinVar. In silico tools suggest the impact of the variant on protein function is inconclusive, though these predictions have not been confirmed by functional studies. The evidence is insufficient to meet ACMG/AMP criteria for classifying the variant as benign or pathogenic. Thus, the clinical significance of this variant is currently uncertain.